The following is an entry in ClinVar:

NM_004982.4(KCNJ8):c.1055G>T (p.Arg352Leu)

Genes: KCNJ8 (potassium inwardly rectifying channel subfamily J member 8; minus strand), KCNJ8-AS1 (KCNJ8 antisense RNA 1; plus strand). Cytogenetic location: 12p12.1.
Variant type: single nucleotide variant.
Coding change: c.1055G>T on transcript NM_004982.4 (MANE Select); coding-DNA position 1055, G replaced by T.
Protein change: p.Arg352Leu; replaces arginine 352 with leucine.
Molecular consequence: missense variant.
Genome position (GRCh38, 1-based): chr12:21,765,943, C>A on the plus strand (G>T on the coding strand, the complement: KCNJ8 is on the minus strand). VCF-style: chr12-21765943-C-A. GRCh37 (hg19) VCF-style: chr12-21918877-C-A.
Other names: short protein forms R352L.
Identifiers: ClinVar variation 1384248 (VCV001384248.6), dbSNP rs747622709, ClinGen allele CA384122780.

ClinVar aggregate classification (germline): Uncertain significance (1 of 4 stars; one submission).

Conditions:
Brugada syndrome. Also called: Sudden unexplained nocturnal death syndrome; Sudden unexpected nocturnal death syndrome; Sudden Unexplained Death Syndrome; Sudden Unexplained Nocturnal Death Syndrome (SUNDS). Identifiers: Orphanet 130, MedGen C1142166, MONDO:0015263.

Submission:

Labcorp Genetics (formerly Invitae), Labcorp
Classification: Uncertain significance for Brugada syndrome. Last evaluated: 2021-11-14. Review status: criteria provided, single submitter. Criteria: Invitae Variant Classification Sherloc (09022015). Collection method: clinical testing. Allele origin: germline.
Comment: In summary, the available evidence is currently insufficient to determine the role of this variant in disease. Therefore, it has been classified as a Variant of Uncertain Significance. Advanced modeling of protein sequence and biophysical properties (such as structural, functional, and spatial information, amino acid conservation, physicochemical variation, residue mobility, and thermodynamic stability) performed at Invitae indicates that this missense variant is not expected to disrupt KCNJ8 protein function. This variant has not been reported in the literature in individuals affected with KCNJ8-related conditions. This variant is not present in population databases (gnomAD no frequency). This sequence change replaces arginine, which is basic and polar, with leucine, which is neutral and non-polar, at codon 352 of the KCNJ8 protein (p.Arg352Leu).